The following is an entry in ClinVar:

ClinVar aggregate classification (germline): Conflicting classifications of pathogenicity. Review status: criteria provided, conflicting classifications (1 of 4 stars). 5 submissions from 5 submitters: Pathogenic (2); Likely pathogenic (2); Uncertain significance (1). Last evaluated 2026-06-16.

Conditions:
Atypical hemolytic-uremic syndrome with I factor anomaly. Also called: HEMOLYTIC UREMIC SYNDROME, ATYPICAL, SUSCEPTIBILITY TO, 3; AHUS, SUSCEPTIBILITY TO, 3. Identifiers: Orphanet 2134, MedGen C2752039, MONDO:0013041, OMIM 612923.
CFI-related disorder. Also called: CFI-related condition; CFI-related disorders. Identifiers: MedGen CN239325.

Allele frequency attached by ClinVar (database versions not stated): ExAC 0.00001; gnomAD 0.00003; gnomAD exomes 0.00004; TOPMed 0.00006; 1000 Genomes Project 30x 0.00016; 1000 Genomes Project 0.00020.
gnomAD v4.1: 56 of 1,609,294 alleles (0.0035%); highest among the groups gnomAD compares: Admixed American, 0.005%; no homozygotes.

Submissions (5):

MVZ Medizinische Genetik Mainz
Classification: Likely pathogenic for Atypical hemolytic-uremic syndrome with I factor anomaly. Last evaluated: 2026-06-16. Review status: criteria provided, single submitter. Criteria: UK Practice Guidelines For Variant Classification V4 01 2020. Collection method: clinical testing. Allele origin: germline. Inheritance: Autosomal dominant inheritance. Affected: yes. Observed: 1 variant allele.
Comment: ACMG Criteria: PS3_MOD,PS4_MOD,PM2_SUP,PM5_SUP,PP3

Labcorp Genetics (formerly Invitae), Labcorp
Classification: Uncertain significance. Last evaluated: 2025-12-26. Review status: criteria provided, single submitter. Criteria: Invitae Variant Classification Sherloc (09022015). Collection method: clinical testing. Allele origin: germline.
Comment: This sequence change replaces glycine, which is neutral and non-polar, with aspartic acid, which is acidic and polar, at codon 162 of the CFI protein (p.Gly162Asp). This variant is present in population databases (rs546607673, gnomAD 0.006%). This missense change has been observed in individual(s) with clinical features of CFI-related conditions (PMID: 18557729, 20059470, 22710145, 25788521, 28942469, 31440263). ClinVar contains an entry for this variant (Variation ID: 2203563). An algorithm developed to predict the effect of missense changes on protein structure and function (PolyPhen-2) suggests that this variant is likely to be disruptive. Experimental studies have shown that this missense change affects CFI function (PMID: 32510551, 32908800, 37363824). In summary, the available evidence is currently insufficient to determine the role of this variant in disease. Therefore, it has been classified as a Variant of Uncertain Significance.

Genomenon, Inc
Classification: Pathogenic for CFI-related disorder. Last evaluated: 2025-09-26. Review status: criteria provided, single submitter. Criteria: Genomenon Sequence Variant Interpretation Standards - Updated. Collection method: curation. Allele origin: germline. Affected: yes.
Comment: CFI p.Gly162Asp (c.485G>A) is a missense variant that changes the amino acid at residue 162 from Glycine to Aspartic acid. This variant has been observed in at least one proband affected with a CFI-related disorder (PMID:20059470;32765494;30890598;28942469;38134378;22710145). It has been observed in trans with a pathogenic/likely pathogenic variant (PMID:38134378;22710145). At least one functional study has demonstrated a substantial alteration in protein function relative to the wild-type (PMID:37363824;32510551). It is absent or not present at a significant frequency in gnomAD. In silico models agree that this variant is possibly or probably damaging. In conclusion, we classify CFI p.Gly162Asp (c.485G>A) as a pathogenic variant.

Blueprint Genetics
Classification: Pathogenic for CFI-related disorders. Last evaluated: 2022-11-23. Review status: criteria provided, single submitter. Criteria: ACMG Guidelines, 2015. Collection method: clinical testing. Allele origin: germline. Affected: yes. Observed: 5 variant alleles.

Mayo Clinic Laboratories, Mayo Clinic
Classification: Likely pathogenic. Last evaluated: 2022-04-06. Review status: criteria provided, single submitter. Criteria: ACMG Guidelines, 2015. Collection method: clinical testing. Allele origin: germline. Observed: 1 variant allele.
Comment: PS3, PS4_moderate

Literature cited by the submitters: PubMed 18557729 (cited by Labcorp Genetics (formerly Invitae), Labcorp and Mayo Clinic Laboratories, Mayo Clinic); PubMed 20059470 (cited by 3 submitters); PubMed 22710145 (cited by Labcorp Genetics (formerly Invitae), Labcorp and Mayo Clinic Laboratories, Mayo Clinic); PubMed 25788521 (cited by Labcorp Genetics (formerly Invitae), Labcorp); PubMed 28942469 (cited by Labcorp Genetics (formerly Invitae), Labcorp and Mayo Clinic Laboratories, Mayo Clinic); PubMed 31440263 (cited by Labcorp Genetics (formerly Invitae), Labcorp); PubMed 32510551 (cited by Labcorp Genetics (formerly Invitae), Labcorp and Mayo Clinic Laboratories, Mayo Clinic); PubMed 32908800 (cited by Labcorp Genetics (formerly Invitae), Labcorp and Mayo Clinic Laboratories, Mayo Clinic); PubMed 37363824 (cited by Labcorp Genetics (formerly Invitae), Labcorp); 32765494 (cited by Genomenon, Inc); 30890598 (cited by Genomenon, Inc); 28942469 (cited by Genomenon, Inc); 38134378 (cited by Genomenon, Inc); 22710145 (cited by Genomenon, Inc); 37363824 (cited by Genomenon, Inc); 32510551 (cited by Genomenon, Inc).

NM_000204.5(CFI):c.485G>A (p.Gly162Asp)

Gene: CFI (complement factor I; minus strand). Cytogenetic location: 4q25.
Variant type: single nucleotide variant.
Coding change: c.485G>A on transcript NM_000204.5 (MANE Select); coding-DNA position 485, G replaced by A.
Protein change: p.Gly162Asp; replaces glycine 162 with aspartic acid.
Molecular consequence: missense variant. On other transcripts: 5 prime UTR variant (1), non-coding transcript variant (3).
Genome position (GRCh38, 1-based): chr4:109,761,690, C>T on the plus strand (G>A on the coding strand, the complement: CFI is on the minus strand). VCF-style: chr4-109761690-C-T. GRCh37 (hg19) VCF-style: chr4-110682846-C-T.
Other names: p.Gly162Asp; c.485G>A, p.Gly162Asp (NM_001318057.2, NM_001331035.2, NM_001375278.1 and 5 more transcripts); c.-125G>A (NM_001375284.1); c.485G>A (NM_000204.4); short protein forms G162D.
Identifiers: ClinVar variation 2203563 (VCV002203563.8), dbSNP rs546607673, ClinGen allele CA3042244.